The following is an entry in ClinVar:

ClinVar aggregate classification (germline): Uncertain significance. Review status: criteria provided, multiple submitters, no conflicts (2 of 4 stars). 3 submissions from 3 submitters: Uncertain significance (3). Last evaluated 2025-04-14.

Conditions:
Senior-Loken syndrome 6 (SLSN6). Identifiers: Orphanet 3156, MedGen C1857779, MONDO:0012433, OMIM 610189.
Joubert syndrome 5 (JBTS5). Identifiers: Orphanet 2318, MedGen C1857780, MONDO:0012432, OMIM 610188.
Bardet-Biedl syndrome 14 (BBS14). Identifiers: Orphanet 110, MedGen C2673874, MONDO:0014442, OMIM 615991.
Leber congenital amaurosis 10 (LCA10). Identifiers: Orphanet 65, MedGen C1857821, MONDO:0012723, OMIM 611755.
Meckel syndrome, type 4 (MKS4). Also called: MECKEL-GRUBER SYNDROME, TYPE 4. Identifiers: Orphanet 564, MedGen C1970161, MONDO:0012626, OMIM 611134.
Inborn genetic diseases. Identifiers: MedGen C0950123, MeSH D030342.
Joubert syndrome. Also called: CEREBELLOPARENCHYMAL DISORDER IV; JOUBERT-BOLTSHAUSER SYNDROME; Familial aplasia of the vermis. Identifiers: Orphanet 475, MedGen C5979921, MONDO:0018772.
Nephronophthisis. Also called: Juvenile Nephronophthisis. Identifiers: Orphanet 655, MedGen C0687120, MONDO:0019005, HP:0000090.
Meckel-Gruber syndrome. Also called: DYSENCEPHALIA SPLANCHNOCYSTICA; GRUBER SYNDROME; Dysencephalia splachnocystica. Identifiers: Orphanet 564, MedGen C0265215, MONDO:0018921.

Allele frequency attached by ClinVar (database versions not stated): TOPMed 0.00002; ExAC 0.00004; gnomAD 0.00001.
gnomAD v4.1: 31 of 1,562,036 alleles (0.002%); highest among the groups gnomAD compares: African/African-American, 0.0027%; no homozygotes.

Submissions (3):

Labcorp Genetics (formerly Invitae), Labcorp
Classification: Uncertain significance for Joubert syndrome; Meckel-Gruber syndrome; Nephronophthisis. Last evaluated: 2025-04-14. Review status: criteria provided, single submitter. Criteria: Invitae Variant Classification Sherloc (09022015). Collection method: clinical testing. Allele origin: germline.
Comment: This sequence change replaces isoleucine, which is neutral and non-polar, with leucine, which is neutral and non-polar, at codon 589 of the CEP290 protein (p.Ile589Leu). The frequency data for this variant in the population databases is considered unreliable, as metrics indicate poor data quality at this position in the gnomAD database. This variant has not been reported in the literature in individuals affected with CEP290-related conditions. ClinVar contains an entry for this variant (Variation ID: 1360169). An algorithm developed to predict the effect of missense changes on protein structure and function outputs the following: PolyPhen-2: "Benign". The leucine amino acid residue is found in multiple mammalian species, which suggests that this missense change does not adversely affect protein function. In summary, the available evidence is currently insufficient to determine the role of this variant in disease. Therefore, it has been classified as a Variant of Uncertain Significance.

Ambry Genetics
Classification: Uncertain significance for Inborn genetic diseases. Last evaluated: 2024-03-19. Review status: criteria provided, single submitter. Criteria: Ambry Variant Classification Scheme 2023. Collection method: clinical testing. Allele origin: germline.

Fulgent Genetics
Classification: Uncertain significance for Joubert syndrome 5; Senior-Loken syndrome 6; Meckel syndrome, type 4; Leber congenital amaurosis 10; Bardet-Biedl syndrome 14. Last evaluated: 2022-02-16. Review status: criteria provided, single submitter. Criteria: ACMG Guidelines, 2015. Collection method: clinical testing. Allele origin: unknown.

NM_025114.4(CEP290):c.1765A>T (p.Ile589Leu)

Gene: CEP290 (centrosomal protein 290; minus strand). Cytogenetic location: 12q21.32.
Variant type: single nucleotide variant.
Coding change: c.1765A>T on transcript NM_025114.4 (MANE Select); coding-DNA position 1765, A replaced by T.
Protein change: p.Ile589Leu; replaces isoleucine 589 with leucine.
Molecular consequence: missense variant.
Genome position (GRCh38, 1-based): chr12:88,117,092, T>A on the plus strand (A>T on the coding strand, the complement: CEP290 is on the minus strand). VCF-style: chr12-88117092-T-A. GRCh37 (hg19) VCF-style: chr12-88510869-T-A.
Other names: c.1765A>T (NM_025114.3); short protein forms I589L.
Identifiers: ClinVar variation 1360169 (VCV001360169.8), dbSNP rs770829686, ClinGen allele CA6712477.